The following is an entry in ClinVar:

ClinVar aggregate classification (germline): Uncertain significance (1 of 4 stars; one submission).

Allele frequency attached by ClinVar (database versions not stated): gnomAD exomes below 0.00001.
gnomAD v4.1: 7 of 1,593,144 alleles (0.00044%); highest among the groups gnomAD compares: Non-Finnish European, 0.00051%; no homozygotes.

Submission:

GeneDx
Classification: Uncertain significance. Last evaluated: 2023-06-13. Review status: criteria provided, single submitter. Criteria: GeneDx Variant Classification Process June 2021. Collection method: clinical testing. Allele origin: germline. Affected: yes.
Comment: Not observed at significant frequency in large population cohorts (gnomAD); In silico analysis supports that this missense variant has a deleterious effect on protein structure/function; Has not been previously published as pathogenic or benign to our knowledge

NM_002430.3(MN1):c.2591A>G (p.Glu864Gly)

Gene: MN1 (MN1 proto-oncogene, transcriptional regulator; minus strand). Cytogenetic location: 22q12.1.
Variant type: single nucleotide variant.
Coding change: c.2591A>G on transcript NM_002430.3 (MANE Select); coding-DNA position 2591, A replaced by G.
Protein change: p.Glu864Gly; replaces glutamic acid 864 with glycine.
Molecular consequence: missense variant.
Genome position (GRCh38, 1-based): chr22:27,797,953, T>C on the plus strand (A>G on the coding strand, the complement: MN1 is on the minus strand). VCF-style: chr22-27797953-T-C. GRCh37 (hg19) VCF-style: chr22-28193941-T-C.
Other names: short protein forms E864G.
Identifiers: ClinVar variation 1693076 (VCV001693076.4), dbSNP rs956458376, ClinGen allele CA322884340.